The following is an entry in ClinVar:

NM_002633.3(PGM1):c.1538C>T (p.Thr513Ile)

Gene: PGM1 (phosphoglucomutase 1; plus strand). Cytogenetic location: 1p31.3.
Variant type: single nucleotide variant.
Coding change: c.1538C>T on transcript NM_002633.3 (MANE Select); coding-DNA position 1538, C replaced by T.
Protein change: p.Thr513Ile; replaces threonine 513 with isoleucine.
Molecular consequence: missense variant.
Genome position (GRCh38, 1-based): chr1:63,654,405, C>T. VCF-style: chr1-63654405-C-T. GRCh37 (hg19) VCF-style: chr1-64120076-C-T.
Other names: c.1592C>T, p.Thr531Ile (NM_001172818.1); c.947C>T, p.Thr316Ile (NM_001172819.2); short protein forms T513I, T316I, T531I.
Identifiers: ClinVar variation 1926966 (VCV001926966.5), dbSNP rs1443343042, ClinGen allele CA340639605.
Genomic context (GRCh38, chr1:63,654,405, plus strand): 5'-TTTTCACAGATGGTTCTCGAATCGTCTTCCGACTGAGCGGCACTGGGAGTGCCGGGGCCA[C>T]CATTCGGCTGTACATCGATAGCTATGAGAAGGACGTTGCCAAGATTAACCAGGACCCCCA-3'
Protein context (NP_002624.2, residues 503-523): RLSGTGSAGA[Thr513Ile]IRLYIDSYEK

ClinVar aggregate classification (germline): Uncertain significance (1 of 4 stars; one submission).

Conditions:
PGM1-congenital disorder of glycosylation. Also called: CDG It; PHOSPHOGLUCOMUTASE 1 DEFICIENCY; PGM1 DEFICIENCY; GLYCOGEN STORAGE DISEASE XIV; GSD XIV; Congenital disorder of glycosylation type 1t. Identifiers: Orphanet 319646, MedGen C2752015, MONDO:0013968, OMIM 614921.

Allele frequency attached by ClinVar (database versions not stated): gnomAD exomes below 0.00001.
gnomAD v4.1: 2 of 1,614,108 alleles (0.00012%); highest among the groups gnomAD compares: Non-Finnish European, 0.00017%; no homozygotes.

Submission:

Labcorp Genetics (formerly Invitae), Labcorp
Classification: Uncertain significance for PGM1-congenital disorder of glycosylation. Last evaluated: 2021-12-31. Review status: criteria provided, single submitter. Criteria: Invitae Variant Classification Sherloc (09022015). Collection method: clinical testing. Allele origin: germline.
Comment: In summary, the available evidence is currently insufficient to determine the role of this variant in disease. Therefore, it has been classified as a Variant of Uncertain Significance. Algorithms developed to predict the effect of missense changes on protein structure and function (SIFT, PolyPhen-2, Align-GVGD) all suggest that this variant is likely to be disruptive. This variant has not been reported in the literature in individuals affected with PGM1-related conditions. This variant is present in population databases (no rsID available, gnomAD 0.0009%). This sequence change replaces threonine, which is neutral and polar, with isoleucine, which is neutral and non-polar, at codon 513 of the PGM1 protein (p.Thr513Ile).